The following is an entry in ClinVar:

ClinVar aggregate classification (germline): Uncertain significance (1 of 4 stars; one submission).

Conditions:
Combined immunodeficiency due to LRBA deficiency. Also called: Common variable immunodeficiency 8, with autoimmunity. Identifiers: Orphanet 445018, MedGen C3553512, MONDO:0013863, OMIM 614700.

Allele frequency attached by ClinVar (database versions not stated): gnomAD exomes below 0.00001.
gnomAD v4.1: 4 of 1,608,342 alleles (0.00025%); highest among the groups gnomAD compares: East Asian, 0.0022%; no homozygotes.

Submission:

Labcorp Genetics (formerly Invitae), Labcorp
Classification: Uncertain significance for Combined immunodeficiency due to LRBA deficiency. Last evaluated: 2022-08-12. Review status: criteria provided, single submitter. Criteria: Invitae Variant Classification Sherloc (09022015). Collection method: clinical testing. Allele origin: germline.
Comment: ClinVar contains an entry for this variant (Variation ID: 1519540). Algorithms developed to predict the effect of missense changes on protein structure and function are either unavailable or do not agree on the potential impact of this missense change (SIFT: "Deleterious"; PolyPhen-2: "Possibly Damaging"; Align-GVGD: "Class C0"). Algorithms developed to predict the effect of sequence changes on RNA splicing suggest that this variant may create or strengthen a splice site. This sequence change replaces isoleucine, which is neutral and non-polar, with threonine, which is neutral and polar, at codon 304 of the LRBA protein (p.Ile304Thr). This variant is present in population databases (no rsID available, gnomAD 0.0009%). This variant has not been reported in the literature in individuals affected with LRBA-related conditions. In summary, the available evidence is currently insufficient to determine the role of this variant in disease. Therefore, it has been classified as a Variant of Uncertain Significance.

NM_001364905.1(LRBA):c.911T>C (p.Ile304Thr)

Gene: LRBA (LPS responsive beige-like anchor protein; minus strand). Cytogenetic location: 4q31.3.
Variant type: single nucleotide variant.
Coding change: c.911T>C on transcript NM_001364905.1 (MANE Select); coding-DNA position 911, T replaced by C.
Protein change: p.Ile304Thr; replaces isoleucine 304 with threonine.
Molecular consequence: missense variant.
Genome position (GRCh38, 1-based): chr4:150,915,711, A>G on the plus strand (T>C on the coding strand, the complement: LRBA is on the minus strand). VCF-style: chr4-150915711-A-G. GRCh37 (hg19) VCF-style: chr4-151836863-A-G.
Other names: c.911T>C, p.Ile304Thr (NM_001199282.3, NM_001367550.1, NM_006726.5); short protein forms I304T.
Identifiers: ClinVar variation 1519540 (VCV001519540.6), dbSNP rs1303467191, ClinGen allele CA358436049.